The following is an entry in ClinVar:

ClinVar aggregate classification (germline): Benign/Likely benign. Review status: criteria provided, multiple submitters, no conflicts (2 of 4 stars). 3 submissions from 3 submitters: Benign (1); Likely benign (1). 1 of the submissions does not count toward it. Last evaluated 2025-01-14.

Conditions:
Hereditary cancer-predisposing syndrome. Also called: Hereditary Cancer Syndrome; Hereditary neoplastic syndrome; Tumor predisposition; Neoplastic Syndromes, Hereditary. Identifiers: Orphanet 140162, MedGen C0027672, MeSH D009386, MONDO:0015356.
Familial cancer of breast. Also called: BREAST CANCER, FAMILIAL; hereditary breast carcinoma; Hereditary breast cancer. Identifiers: Orphanet 227535, MedGen C0346153, MONDO:0016419, OMIM 114480. Disease mechanism: loss of function.

Submissions (3):

Myriad Genetics, Inc.
Classification: Benign for Familial cancer of breast. Last evaluated: 2025-01-14. Review status: criteria provided, single submitter. Criteria: Myriad Autosomal Dominant, Autosomal Recessive and X-Linked Classification Criteria (2023). Collection method: clinical testing. Allele origin: unknown.
Comment: This variant is considered benign. This variant is a silent/synonymous amino acid change and it is not expected to impact splicing.

Ambry Genetics
Classification: Likely benign for Hereditary cancer-predisposing syndrome. Last evaluated: 2020-09-18. Review status: criteria provided, single submitter. Criteria: Ambry Variant Classification Scheme 2023. Collection method: clinical testing. Allele origin: germline.

Leiden Open Variation Database
Classification: Likely benign for Familial cancer of breast. Last evaluated: 2019-05-13. Review status: no assertion criteria provided. Collection method: curation. Allele origin: germline. Affected: yes. Not counted in ClinVar's aggregate classification.
Comment: Curators: Marc Tischkowitz, Arleen D. Auerbach. Submitter to LOVD: Marc Tischkowitz.

Literature cited by the submitters: PubMed 18446436 (cited by Leiden Open Variation Database).

NM_024675.4(PALB2):c.1656G>A (p.Gln552=)

Gene: PALB2 (partner and localizer of BRCA2; minus strand). Cytogenetic location: 16p12.2.
Variant type: single nucleotide variant.
Coding change: c.1656G>A on transcript NM_024675.4 (MANE Select); coding-DNA position 1656, G replaced by A.
Protein change: p.Gln552=; no amino-acid change (glutamine 552 retained).
Molecular consequence: synonymous variant.
Genome position (GRCh38, 1-based): chr16:23,634,890, C>T on the plus strand (G>A on the coding strand, the complement: PALB2 is on the minus strand). VCF-style: chr16-23634890-C-T. GRCh37 (hg19) VCF-style: chr16-23646211-C-T.
Identifiers: ClinVar variation 126612 (VCV000126612.6), dbSNP rs180177104, ClinGen allele CA269501.
Genomic context (GRCh38, chr16:23,634,890, plus strand): 5'-TCATCATCATCATCAAACACATCTTGATTTACCTTTCACTTGAATAAATAATTTTTCGTG[C>T]TGATATTTGTGTGAGGTGACTTCTTCCTTGGACCTGTTAACAATCGACAGGCTAGAAGTT-3'
Protein context (NP_078951.2, residues 542-562): SKEEVTSHKY[Gln552=]HEKLFIQVKG